The following is an entry in ClinVar:

ClinVar aggregate classification (germline): Benign. Review status: criteria provided, multiple submitters, no conflicts (2 of 4 stars). 2 submissions from 2 submitters: Benign (2). Last evaluated 2018-01-13.

Conditions:
Microcytic anemia. Identifiers: MedGen C5194182, MONDO:0001245, HP:0001935. Disease mechanism: loss of function.

Allele frequency attached by ClinVar (database versions not stated): gnomAD 0.00832 and 0.00859; TOPMed 0.01624; 1000 Genomes Project 0.01817; gnomAD exomes 0.01866; 1000 Genomes Project 30x 0.02030.
gnomAD v4.1: 1,386 of 156,550 alleles (0.89%); highest among the groups gnomAD compares: Admixed American, 7.6%; 64 homozygotes.

Submissions (2):

Illumina Laboratory Services, Illumina
Classification: Benign for Iron-refractory iron deficiency anemia. Last evaluated: 2018-01-13. Review status: criteria provided, single submitter. Criteria: ICSL Variant Classification Criteria 13 December 2019. Collection method: clinical testing. Allele origin: germline.
Comment: This variant was observed in the ICSL laboratory as part of a predisposition screen in an ostensibly healthy population. It had not been previously curated by ICSL or reported in the Human Gene Mutation Database (HGMD: prior to June 1st, 2018), and was therefore a candidate for classification through an automated scoring system. Utilizing variant allele frequency, disease prevalence and penetrance estimates, and inheritance mode, an automated score was calculated to assess if this variant is too frequent to cause the disease. Based on the score and internal cut-off values, a variant classified as benign is not then subjected to further curation. The score for this variant resulted in a classification of benign for this disease.

Breakthrough Genomics
Classification: Benign. Review status: criteria provided, single submitter. Criteria: ACMG Guidelines, 2015. Collection method: not provided. Allele origin: germline. Inheritance: Autosomal recessive inheritance. Affected: yes.

NM_001374504.1(TMPRSS6):c.*580C>G

Gene: TMPRSS6 (transmembrane serine protease 6; minus strand). Cytogenetic location: 22q12.3.
Variant type: single nucleotide variant.
Coding change: c.*580C>G on transcript NM_001374504.1 (MANE Select); 580 bases downstream of the stop codon, C replaced by G.
Molecular consequence: 3 prime UTR variant.
Genome position (GRCh38, 1-based): chr22:37,065,500, G>C on the plus strand (C>G on the coding strand, the complement: TMPRSS6 is on the minus strand). VCF-style: chr22-37065500-G-C. GRCh37 (hg19) VCF-style: chr22-37461540-G-C.
Other names: c.*580C>G (NM_001289000.2, NM_001289001.2, NM_153609.4).
Identifiers: ClinVar variation 341568 (VCV000341568.6), dbSNP rs145137288, ClinGen allele CA10653479.